The following is an entry in ClinVar:

NM_001243133.2(NLRP3):c.1020C>T (p.Pro340=)

Gene: NLRP3 (NLR family pyrin domain containing 3; plus strand). Cytogenetic location: 1q44.
Variant type: single nucleotide variant.
Coding change: c.1020C>T on transcript NM_001243133.2 (MANE Select); coding-DNA position 1020, C replaced by T.
Protein change: p.Pro340=; no amino-acid change (proline 340 retained).
Molecular consequence: synonymous variant.
Genome position (GRCh38, 1-based): chr1:247,424,469, C>T. VCF-style: chr1-247424469-C-T. GRCh37 (hg19) VCF-style: chr1-247587771-C-T.
Other names: p.Pro342=; c.1020C>T, p.Pro340= (NM_001079821.3, NM_001127461.3, NM_001127462.3 and 1 more transcripts); c.1026C>T, p.Pro342= (NM_004895.5).
Identifiers: ClinVar variation 218548 (VCV000218548.75), dbSNP rs41311573, ClinGen allele CA249107.

ClinVar aggregate classification (germline): Benign/Likely benign. Review status: criteria provided, multiple submitters, no conflicts (2 of 4 stars). 20 submissions from 18 submitters: Benign (13); Likely benign (4). 3 of the submissions do not count toward it. Last evaluated 2026-09-01.

Conditions:
Autoinflammatory syndrome. Identifiers: Orphanet 93665, MedGen C3890737, MONDO:0019751.
Cryopyrin associated periodic syndrome (CAPS). Identifiers: Orphanet 208650, MedGen C2316212, MONDO:0016168.
Familial cold autoinflammatory syndrome 1 (FCAS1). Also called: CRYOPYRIN-ASSOCIATED PERIODIC SYNDROME 1; Familial cold inflammatory syndrome 1. Identifiers: Orphanet 47045, MedGen C4551895, MONDO:0007349, OMIM 120100.
Familial amyloid nephropathy with urticaria AND deafness (MWS). Also called: Urticaria, deafness and amyloidosis; CRYOPYRIN-ASSOCIATED PERIODIC SYNDROME 2; UDA SYNDROME; URTICARIA-DEAFNESS-AMYLOIDOSIS SYNDROME; MUCKLE-WELLS SYNDROME. Identifiers: Orphanet 575, MedGen C0268390, MONDO:0008633, OMIM 191900.
Chronic infantile neurological, cutaneous and articular syndrome (CINCA). Also called: Prieur Griscelli syndrome; CRYOPYRIN-ASSOCIATED PERIODIC SYNDROME 3; CINCA syndrome; CHRONIC NEUROLOGIC CUTANEOUS AND ARTICULAR SYNDROME. Identifiers: Orphanet 1451, MedGen C0409818, MONDO:0011776, OMIM 607115.
NLRP3-related disorder. Also called: NLRP3-related condition; NLRP3-Related Disorders.

Allele frequency attached by ClinVar (database versions not stated): 1000 Genomes Project 0.00180; 1000 Genomes Project 30x 0.00250; TOPMed 0.00499; gnomAD 0.00529 and 0.00548; ESP Exome Variant Server 0.00615.
gnomAD v4.1: 10,144 of 1,614,172 alleles (0.63%); highest among the groups gnomAD compares: Non-Finnish European, 0.72%; 48 homozygotes.

Submissions (20):

CeGaT Center for Human Genetics Tuebingen
Classification: Likely benign. Last evaluated: 2026-09-01. Review status: criteria provided, single submitter. Criteria: CeGaT Center For Human Genetics Tuebingen Variant Classification Criteria Version 2. Collection method: clinical testing. Allele origin: germline. Affected: yes. Observed: 35 variant alleles.
Comment: NLRP3: BP4, BP7, BS2

Labcorp Genetics (formerly Invitae), Labcorp
Classification: Benign for Cryopyrin associated periodic syndrome. Last evaluated: 2026-02-01. Review status: criteria provided, single submitter. Criteria: Invitae Variant Classification Sherloc (09022015). Collection method: clinical testing. Allele origin: germline.

Women's Health and Genetics/Laboratory Corporation of America, LabCorp
Classification: Benign. Last evaluated: 2026-01-23. Review status: criteria provided, single submitter. Criteria: LabCorp Variant Classification Summary - May 2015. Collection method: clinical testing. Allele origin: germline.

Mayo Clinic Laboratories, Mayo Clinic
Classification: Benign. Last evaluated: 2025-06-18. Review status: criteria provided, single submitter. Criteria: ACMG Guidelines, 2015. Collection method: clinical testing. Allele origin: germline. Observed: 17 variant alleles.
Comment: BS1, BS2, BP4, BP7

ARUP Laboratories, Molecular Genetics and Genomics, ARUP Laboratories
Classification: Benign. Last evaluated: 2025-03-24. Review status: criteria provided, single submitter. Criteria: ARUP Molecular Germline Variant Investigation Process 2024. Collection method: clinical testing. Allele origin: germline.

Blueprint Genetics
Classification: Likely benign. Last evaluated: 2024-11-22. Review status: criteria provided, single submitter. Criteria: ACMG Guidelines, 2015. Collection method: clinical testing. Allele origin: germline.

Genome Diagnostics Laboratory, The Hospital for Sick Children
Classification: Benign for Autoinflammatory syndrome. Last evaluated: 2022-03-11. Review status: criteria provided, single submitter. Criteria: ACMG Guidelines, 2015. Collection method: clinical testing. Allele origin: germline. Affected: yes.

GeneDx
Classification: Likely benign. Last evaluated: 2021-01-19. Review status: criteria provided, single submitter. Criteria: GeneDx Variant Classification Process June 2021. Collection method: clinical testing. Allele origin: germline. Affected: yes.
Comment: This variant is associated with the following publications: (PMID: 30245029)

Athena Diagnostics
Classification: Benign. Last evaluated: 2019-01-25. Review status: criteria provided, single submitter. Criteria: Athena Diagnostics Criteria. Collection method: clinical testing. Allele origin: germline.

Illumina Laboratory Services, Illumina
Classification: Benign for Familial cold autoinflammatory syndrome 1. Last evaluated: 2018-03-06. Review status: criteria provided, single submitter. Criteria: ICSL Variant Classification Criteria 13 December 2019. Collection method: clinical testing. Allele origin: germline.
Comment: This variant was observed in the ICSL laboratory as part of a predisposition screen in an ostensibly healthy population. It had not been previously curated by ICSL or reported in the Human Gene Mutation Database (HGMD: prior to June 1st, 2018), and was therefore a candidate for classification through an automated scoring system. Utilizing variant allele frequency, disease prevalence and penetrance estimates, and inheritance mode, an automated score was calculated to assess if this variant is too frequent to cause the disease. Based on the score and internal cut-off values, a variant classified as benign is not then subjected to further curation. The score for this variant resulted in a classification of benign for this disease.

Illumina Laboratory Services, Illumina
Classification: Benign for Familial amyloid nephropathy with urticaria AND deafness. Last evaluated: 2018-03-06. Review status: criteria provided, single submitter. Criteria: ICSL Variant Classification Criteria 13 December 2019. Collection method: clinical testing. Allele origin: germline.
Comment: the same text as in the submission from Illumina Laboratory Services, Illumina above.

Illumina Laboratory Services, Illumina
Classification: Benign for Chronic infantile neurological, cutaneous and articular syndrome. Last evaluated: 2018-03-06. Review status: criteria provided, single submitter. Criteria: ICSL Variant Classification Criteria 13 December 2019. Collection method: clinical testing. Allele origin: germline.
Comment: the same text as in the submission from Illumina Laboratory Services, Illumina above.

Laboratory for Molecular Medicine, Mass General Brigham Personalized Medicine
Classification: Benign. Last evaluated: 2017-12-21. Review status: criteria provided, single submitter. Criteria: LMM Criteria. Collection method: clinical testing. Allele origin: germline. Observed: 6 variant alleles.
Comment: p.Pro342Pro in exon 5 of NLRP3: This variant is not expected to have clinical si gnificance because it does not alter an amino acid residue and is not located wi thin the splice consensus sequence. It has been identified in 0.7% (913/125988) of European chromosomes including homozygotes by the Genome Aggregation Database (gnomAD; dbSNP rs41311573). ACMG/AMP criteri a applied: BS1, BP7 .

Center for Pediatric Genomic Medicine, Children's Mercy Hospital and Clinics
Classification: Benign. Last evaluated: 2017-05-10. Review status: criteria provided, single submitter. Criteria: ACMG Guidelines, 2015. Collection method: clinical testing. Allele origin: germline.

Eurofins Ntd Llc (ga)
Classification: Benign. Last evaluated: 2016-05-23. Review status: criteria provided, single submitter. Criteria: EGL Classification Definitions 2015. Collection method: clinical testing. Allele origin: germline. Observed: 2 variant alleles, 2 heterozygotes.

Genomic Diagnostic Laboratory, Division of Genomic Diagnostics, Children's Hospital of Philadelphia
Classification: Benign. Last evaluated: 2015-06-11. Review status: criteria provided, single submitter. Criteria: DGD Variant Analysis Guidelines. Collection method: clinical testing. Allele origin: unknown.

Breakthrough Genomics
Classification: Likely benign. Review status: criteria provided, single submitter. Criteria: ACMG Guidelines, 2015. Collection method: not provided. Allele origin: germline. Inheritance: Autosomal dominant inheritance. Affected: yes.

PreventionGenetics, part of Exact Sciences
Classification: Benign for NLRP3-related condition. Last evaluated: 2021-02-11. Review status: no assertion criteria provided. Collection method: clinical testing. Allele origin: germline. Not counted in ClinVar's aggregate classification.
Comment: This variant is classified as benign based on ACMG/AMP sequence variant interpretation guidelines (Richards et al. 2015 PMID: 25741868, with internal and published modifications).

Clinical Genetics DNA and cytogenetics Diagnostics Lab, Erasmus MC, Erasmus Medical Center
Classification: Likely benign. Review status: no assertion criteria provided. Collection method: clinical testing. Allele origin: germline. Affected: yes. Study: VKGL Data-share Consensus. Not counted in ClinVar's aggregate classification.

Genome Diagnostics Laboratory, University Medical Center Utrecht
Classification: Benign. Review status: no assertion criteria provided. Collection method: clinical testing. Allele origin: germline. Affected: yes. Study: VKGL Data-share Consensus. Not counted in ClinVar's aggregate classification.

Literature cited by the submitters: PubMed 30245029 (cited by Mayo Clinic Laboratories, Mayo Clinic).